The following is an entry in ClinVar:

NM_013247.5(HTRA2):c.1165C>A (p.His389Asn)

Genes: HTRA2 (HtrA serine peptidase 2; plus strand), LOXL3 (lysyl oxidase like 3; minus strand). Cytogenetic location: 2p13.1.
Variant type: single nucleotide variant.
Coding change: c.1165C>A on transcript NM_013247.5 (MANE Select); coding-DNA position 1165, C replaced by A.
Protein change: p.His389Asn; replaces histidine 389 with asparagine.
Molecular consequence: missense variant. On other transcripts: non-coding transcript variant (4), 3 prime UTR variant (3), intron variant (3).
Genome position (GRCh38, 1-based): chr2:74,532,668, C>A. VCF-style: chr2-74532668-C-A. GRCh37 (hg19) VCF-style: chr2-74759795-C-A.
Other names: c.*938G>T (NM_001289164.3, NM_001289165.2, NM_032603.5); c.1146-152C>A (NM_001321727.1); c.1116-152C>A (NM_001321728.1); c.921-152C>A (NM_145074.2); short protein forms H389N.
Identifiers: ClinVar variation 3686605 (VCV003686605.3).
Genomic context (GRCh38, chr2:74,532,668, plus strand): 5'-TGTACTTTCAGCATCCTTGCTGAACTACAGCTTCGAGAACCAAGCTTTCCCGATGTTCAG[C>A]ATGGTGTACTCATCCATAAAGTCATCCTGGGCTCCCCTGCACACCGGTGAGGGAGAGGCT-3'
Protein context (NP_037379.1, residues 379-399): LREPSFPDVQ[His389Asn]GVLIHKVILG

ClinVar aggregate classification (germline): Uncertain significance. Review status: criteria provided, multiple submitters, no conflicts (2 of 4 stars). 2 submissions from 2 submitters: Uncertain significance (2). Last evaluated 2025-10-29.

Conditions:
Inborn genetic diseases. Identifiers: MedGen C0950123, MeSH D030342.

gnomAD v4.1: 5 of 1,613,826 alleles (0.00031%); highest among the groups gnomAD compares: Non-Finnish European, 0.000085%; no homozygotes.

Submissions (2):

Ambry Genetics
Classification: Uncertain significance for Inborn genetic diseases. Last evaluated: 2025-10-29. Review status: criteria provided, single submitter. Criteria: Ambry Variant Classification Scheme 2023. Collection method: clinical testing. Allele origin: germline.

Labcorp Genetics (formerly Invitae), Labcorp
Classification: Uncertain significance. Last evaluated: 2024-11-27. Review status: criteria provided, single submitter. Criteria: Invitae Variant Classification Sherloc (09022015). Collection method: clinical testing. Allele origin: germline.
Comment: This sequence change replaces histidine, which is basic and polar, with asparagine, which is neutral and polar, at codon 389 of the HTRA2 protein (p.His389Asn). This variant is present in population databases (no rsID available, gnomAD 0.01%). This variant has not been reported in the literature in individuals affected with HTRA2-related conditions. Invitae Evidence Modeling of protein sequence and biophysical properties (such as structural, functional, and spatial information, amino acid conservation, physicochemical variation, residue mobility, and thermodynamic stability) indicates that this missense variant is not expected to disrupt HTRA2 protein function with a negative predictive value of 80%. In summary, the available evidence is currently insufficient to determine the role of this variant in disease. Therefore, it has been classified as a Variant of Uncertain Significance.